The following is an entry in ClinVar:

ClinVar aggregate classification (germline): Uncertain significance (1 of 4 stars; one submission).

Conditions:
Niemann-Pick disease, type C1. Also called: NEUROVISCERAL STORAGE DISEASE WITH VERTICAL SUPRANUCLEAR OPHTHALMOPLEGIA; NIEMANN-PICK DISEASE WITH CHOLESTEROL ESTERIFICATION BLOCK; NIEMANN-PICK DISEASE WITHOUT SPHINGOMYELINASE DEFICIENCY; NIEMANN-PICK DISEASE, CHRONIC NEURONOPATHIC FORM; NIEMANN-PICK DISEASE, VARIANT TYPE C1. Identifiers: Orphanet 646, MedGen C3179455, MONDO:0009757, OMIM 257220.

Submission:

Juno Genomics, Hangzhou Juno Genomics, Inc
Classification: Uncertain significance for Niemann-Pick disease, type C1. Review status: criteria provided, single submitter. Criteria: ACMG Guidelines, 2015. Collection method: clinical testing. Allele origin: germline.
Comment: Absent from controls (or at extremely low frequency if recessive) in Genome Aggregation Database.;Multiple lines of computational evidence support a deleterious effect on the gene or gene product.

NM_000271.5(NPC1):c.218T>C (p.Leu73Pro)

Gene: NPC1 (NPC intracellular cholesterol transporter 1; minus strand). Cytogenetic location: 18q11.2.
Variant type: single nucleotide variant.
Coding change: c.218T>C on transcript NM_000271.5 (MANE Select); coding-DNA position 218, T replaced by C.
Protein change: p.Leu73Pro; replaces leucine 73 with proline.
Molecular consequence: missense variant.
Genome position (GRCh38, 1-based): chr18:23,572,143, A>G on the plus strand (T>C on the coding strand, the complement: NPC1 is on the minus strand). VCF-style: chr18-23572143-A-G. GRCh37 (hg19) VCF-style: chr18-21152107-A-G.
Other names: short protein forms L73P.
Identifiers: ClinVar variation 5005872 (VCV005005872.2).